The following is an entry in ClinVar:

NM_002485.5(NBN):c.1124G>A (p.Trp375Ter)

Gene: NBN (nibrin; minus strand). Cytogenetic location: 8q21.3.
Variant type: single nucleotide variant.
Coding change: c.1124G>A on transcript NM_002485.5 (MANE Select); coding-DNA position 1124, G replaced by A.
Protein change: p.Trp375Ter; replaces tryptophan 375 with a stop codon.
Molecular consequence: nonsense.
Genome position (GRCh38, 1-based): chr8:89,958,725, C>T on the plus strand (G>A on the coding strand, the complement: NBN is on the minus strand). VCF-style: chr8-89958725-C-T. GRCh37 (hg19) VCF-style: chr8-90970953-C-T.
Other names: c.878G>A, p.Trp293Ter (NM_001024688.3); short protein forms W375*, W293*.
Identifiers: ClinVar variation 483949 (VCV000483949.12), dbSNP rs1394437421, ClinGen allele CA371656558.

ClinVar aggregate classification (germline): Pathogenic. Review status: criteria provided, multiple submitters, no conflicts (2 of 4 stars). 3 submissions from 3 submitters: Pathogenic (3). Last evaluated 2026-06-08.

Conditions:
Hereditary cancer-predisposing syndrome. Also called: Neoplastic Syndromes, Hereditary; Hereditary Cancer Syndrome; Tumor predisposition; Hereditary neoplastic syndrome. Identifiers: Orphanet 140162, MedGen C0027672, MeSH D009386, MONDO:0015356.
Microcephaly, normal intelligence and immunodeficiency (NBS). Also called: IMMUNODEFICIENCY, MICROCEPHALY, AND CHROMOSOMAL INSTABILITY; SEEMANOVA SYNDROME II; BERLIN BREAKAGE SYNDROME; Immunodeficiency, microcephaly with normal intelligence; Nijmegen breakage syndrome; Microcephaly with normal intelligence immunodeficiency and lymphoreticular malignancies. Identifiers: Orphanet 647, MedGen C0398791, MONDO:0009623, OMIM 251260.

Allele frequency attached by ClinVar (database versions not stated): gnomAD 0.00001; TOPMed below 0.00001; gnomAD exomes below 0.00001.
gnomAD v4.1: 2 of 1,613,580 alleles (0.00012%); highest among the groups gnomAD compares: South Asian, 0.0011%; no homozygotes.

Submissions (3):

Myriad Genetics, Inc.
Classification: Pathogenic for Microcephaly, normal intelligence and immunodeficiency. Last evaluated: 2026-06-08. Review status: criteria provided, single submitter. Criteria: Myriad Autosomal Dominant, Autosomal Recessive and X-Linked Classification Criteria (2023). Collection method: clinical testing. Allele origin: unknown.
Comment: NM_002485.4(NBN):c.1124G>A(W375*) is expected to be pathogenic in the context of Nijmegen breakage syndrome. This variant is predicted to lead to an abnormal or absent protein product due to the creation of a premature termination codon in NBN, a gene where loss-of-function variants are known to be pathogenic. Please note: this variant was assessed in the context of healthy population screening.

Labcorp Genetics (formerly Invitae), Labcorp
Classification: Pathogenic for Microcephaly, normal intelligence and immunodeficiency. Last evaluated: 2022-03-20. Review status: criteria provided, single submitter. Criteria: Invitae Variant Classification Sherloc (09022015). Collection method: clinical testing. Allele origin: germline.
Comment: This sequence change creates a premature translational stop signal (p.Trp375*) in the NBN gene. It is expected to result in an absent or disrupted protein product. Loss-of-function variants in NBN are known to be pathogenic (PMID: 9590180, 16415040). This variant is present in population databases (no rsID available, gnomAD 0.003%). This variant has not been reported in the literature in individuals affected with NBN-related conditions. ClinVar contains an entry for this variant (Variation ID: 483949). Algorithms developed to predict the effect of sequence changes on RNA splicing suggest that this variant may disrupt the consensus splice site. For these reasons, this variant has been classified as Pathogenic.

Ambry Genetics
Classification: Pathogenic for Hereditary cancer-predisposing syndrome. Last evaluated: 2016-01-25. Review status: criteria provided, single submitter. Criteria: Ambry Variant Classification Scheme 2023. Collection method: clinical testing. Allele origin: germline.
Comment: The c.1124G>A pathogenic mutation, located in coding exon 9 of the NBN gene, results from a G to A substitution at nucleotide position 1124. This changes the amino acid at codon 375 from a tryptophan to a stop codon (p.W375*). However, this base change occurs at the last nucleotide of exon 9 and is predicted to abolish the donor splice site and lead to a premature stop codon (also p.W375*), but direct evidence is not available. Since premature stop codons are typically deleterious in nature, this alteration is interpreted as a disease-causing mutation (ACMG Recommendations for Standards for Interpretation and Reporting of Sequence Variations. Revision 2007. Genet Med. 2008;10:294).

Literature cited by the submitters: PubMed 9590180 (cited by Labcorp Genetics (formerly Invitae), Labcorp); PubMed 16415040 (cited by Labcorp Genetics (formerly Invitae), Labcorp).